The following is an entry in ClinVar:

ClinVar aggregate classification (germline): Uncertain significance. Review status: criteria provided, multiple submitters, no conflicts (2 of 4 stars). 2 submissions from 2 submitters: Uncertain significance (2). Last evaluated 2025-12-03.

Conditions:
Inborn genetic diseases. Identifiers: MedGen C0950123, MeSH D030342.
MOGS-congenital disorder of glycosylation. Also called: CDG IIb; CDG 2B; GLUCOSIDASE I DEFICIENCY; MOGS-CDG. Identifiers: Orphanet 79330, MedGen C1853736, MONDO:0011629, OMIM 606056.

Allele frequency attached by ClinVar (database versions not stated): gnomAD 0.00003; TOPMed 0.00003.

Submissions (2):

Ambry Genetics
Classification: Uncertain significance for Inborn genetic diseases. Last evaluated: 2025-12-03. Review status: criteria provided, single submitter. Criteria: Ambry Variant Classification Scheme 2023. Collection method: clinical testing. Allele origin: germline.

Labcorp Genetics (formerly Invitae), Labcorp
Classification: Uncertain significance for MOGS-congenital disorder of glycosylation. Last evaluated: 2022-02-08. Review status: criteria provided, single submitter. Criteria: Invitae Variant Classification Sherloc (09022015). Collection method: clinical testing. Allele origin: germline.
Comment: This sequence change replaces glycine, which is neutral and non-polar, with arginine, which is basic and polar, at codon 401 of the MOGS protein (p.Gly401Arg). This variant is present in population databases (rs760835807, gnomAD 0.005%). This variant has not been reported in the literature in individuals affected with MOGS-related conditions. ClinVar contains an entry for this variant (Variation ID: 663897). Algorithms developed to predict the effect of missense changes on protein structure and function (SIFT, PolyPhen-2, Align-GVGD) all suggest that this variant is likely to be disruptive. Algorithms developed to predict the effect of sequence changes on RNA splicing suggest that this variant may create or strengthen a splice site. In summary, the available evidence is currently insufficient to determine the role of this variant in disease. Therefore, it has been classified as a Variant of Uncertain Significance.

NM_006302.3(MOGS):c.1201G>A (p.Gly401Arg)

Gene: MOGS (mannosyl-oligosaccharide glucosidase; minus strand). Cytogenetic location: 2p13.1.
Variant type: single nucleotide variant.
Coding change: c.1201G>A on transcript NM_006302.3 (MANE Select); coding-DNA position 1201, G replaced by A.
Protein change: p.Gly401Arg; replaces glycine 401 with arginine.
Molecular consequence: missense variant.
Genome position (GRCh38, 1-based): chr2:74,462,588, C>T on the plus strand (G>A on the coding strand, the complement: MOGS is on the minus strand). VCF-style: chr2-74462588-C-T. GRCh37 (hg19) VCF-style: chr2-74689715-C-T.
Other names: c.883G>A, p.Gly295Arg (NM_001146158.2); c.1201G>A, p.Gly401Arg (LRG_1226t1); short protein forms G295R, G401R.
Identifiers: ClinVar variation 663897 (VCV000663897.7), dbSNP rs760835807, ClinGen allele CA1724830.
Genomic context (GRCh38, chr2:74,462,588, plus strand): 5'-CAGACCCTTCCACCCCGATGTCTGGCAATACCAGCCCTTGTCCGTAGAAGTAGCCAATTC[C>T]ACCAAGGAGGCCGCTGAGGGCAGCCTGACCCAAAACCTGCTCGCCAGAGCTCAGGCCCTT-3'
Protein context (NP_006293.2, residues 391-411): GQAALSGLLG[Gly401Arg]IGYFYGQGLV